The following is an entry in ClinVar:

NM_004820.5(CYP7B1):c.500C>G (p.Pro167Arg)

Gene: CYP7B1 (cytochrome P450 family 7 subfamily B member 1; minus strand). Cytogenetic location: 8q12.3.
Variant type: single nucleotide variant.
Coding change: c.500C>G on transcript NM_004820.5 (MANE Select); coding-DNA position 500, C replaced by G.
Protein change: p.Pro167Arg; replaces proline 167 with arginine.
Molecular consequence: missense variant.
Genome position (GRCh38, 1-based): chr8:64,616,041, G>C on the plus strand (C>G on the coding strand, the complement: CYP7B1 is on the minus strand). VCF-style: chr8-64616041-G-C. GRCh37 (hg19) VCF-style: chr8-65528598-G-C.
Other names: c.500C>G, p.Pro167Arg (NM_001324112.2); short protein forms P167R.
Identifiers: ClinVar variation 593507 (VCV000593507.7), dbSNP rs1173341823, ClinGen allele CA371335607.

ClinVar aggregate classification (germline): Uncertain significance. Review status: criteria provided, multiple submitters, no conflicts (2 of 4 stars). 2 submissions from 2 submitters: Uncertain significance (2). Last evaluated 2022-06-12.

Conditions:
Spastic paraplegia. Identifiers: MedGen C0037772, HP:0001258.

Submissions (2):

Labcorp Genetics (formerly Invitae), Labcorp
Classification: Uncertain significance for Spastic paraplegia. Last evaluated: 2022-06-12. Review status: criteria provided, single submitter. Criteria: Invitae Variant Classification Sherloc (09022015). Collection method: clinical testing. Allele origin: germline.
Comment: This sequence change replaces proline, which is neutral and non-polar, with arginine, which is basic and polar, at codon 167 of the CYP7B1 protein (p.Pro167Arg). This variant is not present in population databases (gnomAD no frequency). This variant has not been reported in the literature in individuals affected with CYP7B1-related conditions. ClinVar contains an entry for this variant (Variation ID: 593507). Algorithms developed to predict the effect of missense changes on protein structure and function output the following: SIFT: "Tolerated"; PolyPhen-2: "Benign"; Align-GVGD: "Class C0". The arginine amino acid residue is found in multiple mammalian species, which suggests that this missense change does not adversely affect protein function. In summary, the available evidence is currently insufficient to determine the role of this variant in disease. Therefore, it has been classified as a Variant of Uncertain Significance.

Eurofins Ntd Llc (ga)
Classification: Uncertain significance. Last evaluated: 2017-08-04. Review status: criteria provided, single submitter. Criteria: EGL Classification Definitions 2015. Collection method: clinical testing. Allele origin: germline. Observed: 1 variant allele, 1 heterozygote.